The following is an entry in ClinVar:

NM_006231.4(POLE):c.5173+6T>C

Gene: POLE (DNA polymerase epsilon, catalytic subunit; minus strand). Cytogenetic location: 12q24.33.
Variant type: single nucleotide variant.
Coding change: c.5173+6T>C on transcript NM_006231.4 (MANE Select); 6 bases into the intron after coding-DNA position 5173, T replaced by C.
Molecular consequence: intron variant.
Genome position (GRCh38, 1-based): chr12:132,642,171, A>G on the plus strand (T>C on the coding strand, the complement: POLE is on the minus strand). VCF-style: chr12-132642171-A-G. GRCh37 (hg19) VCF-style: chr12-133218757-A-G.
Identifiers: ClinVar variation 1435281 (VCV001435281.6), dbSNP rs2042159740, ClinGen allele CA2573148187.
Genomic context (GRCh38, chr12:132,642,171, plus strand): 5'-GAAGATGTCACAGAATGGCAGAAACACCAGCCAGGTCTCATGGGCCTCGTCCTCCCGCCC[A>G]CTTACCTGTGGAGTAACAGCCTGAACTGTTGATCTCAACAGTGGCTTGGTCATCGAACTC-3'

ClinVar aggregate classification (germline): Uncertain significance (1 of 4 stars; one submission).

Submission:

Labcorp Genetics (formerly Invitae), Labcorp
Classification: Uncertain significance. Last evaluated: 2023-12-15. Review status: criteria provided, single submitter. Criteria: Invitae Variant Classification Sherloc (09022015). Collection method: clinical testing. Allele origin: germline.
Comment: This sequence change falls in intron 38 of the POLE gene. It does not directly change the encoded amino acid sequence of the POLE protein. It affects a nucleotide within the consensus splice site. This variant is not present in population databases (gnomAD no frequency). This variant has not been reported in the literature in individuals affected with POLE-related conditions. ClinVar contains an entry for this variant (Variation ID: 1435281). Variants that disrupt the consensus splice site are a relatively common cause of aberrant splicing (PMID: 17576681, 9536098). Algorithms developed to predict the effect of sequence changes on RNA splicing suggest that this variant is not likely to affect RNA splicing. In summary, the available evidence is currently insufficient to determine the role of this variant in disease. Therefore, it has been classified as a Variant of Uncertain Significance.

Literature cited by the submitters: PubMed 17576681; PubMed 9536098.